The following is an entry in ClinVar:

ClinVar aggregate classification (germline): Uncertain significance (1 of 4 stars; one submission).

Allele frequency attached by ClinVar (database versions not stated): TOPMed below 0.00001.

Submission:

Ambry Genetics
Classification: Uncertain significance. Last evaluated: 2022-05-12. Review status: criteria provided, single submitter. Criteria: Ambry Variant Classification Scheme 2023. Collection method: clinical testing. Allele origin: germline.
Comment: The p.S39T variant (also known as c.115T>A), located in coding exon 1 of the EGLN1 gene, results from a T to A substitution at nucleotide position 115. The serine at codon 39 is replaced by threonine, an amino acid with similar properties. This amino acid position is conserved. In addition, this alteration is predicted to be tolerated by in silico analysis. Since supporting evidence is limited at this time, the clinical significance of this alteration remains unclear.

NM_022051.3(EGLN1):c.115T>A (p.Ser39Thr)

Gene: EGLN1 (egl-9 family hypoxia inducible factor 1; minus strand). Cytogenetic location: 1q42.2.
Variant type: single nucleotide variant.
Coding change: c.115T>A on transcript NM_022051.3 (MANE Select); coding-DNA position 115, T replaced by A.
Protein change: p.Ser39Thr; replaces serine 39 with threonine.
Molecular consequence: missense variant.
Genome position (GRCh38, 1-based): chr1:231,421,774, A>T on the plus strand (T>A on the coding strand, the complement: EGLN1 is on the minus strand). VCF-style: chr1-231421774-A-T. GRCh37 (hg19) VCF-style: chr1-231557520-A-T.
Other names: c.115T>A, p.Ser39Thr (NM_001377260.1, NM_001377261.1); short protein forms S39T.
Identifiers: ClinVar variation 1736444 (VCV001736444.2), dbSNP rs1656627723, ClinGen allele CA345239007.